The following is an entry in ClinVar:

NM_001130965.3(SUN1):c.235A>G (p.Ser79Gly)

Gene: SUN1 (Sad1 and UNC84 domain containing 1; plus strand). Cytogenetic location: 7p22.3.
Variant type: single nucleotide variant.
Coding change: c.235A>G on transcript NM_001130965.3 (MANE Select); coding-DNA position 235, A replaced by G.
Protein change: p.Ser79Gly; replaces serine 79 with glycine.
Molecular consequence: missense variant. On other transcripts: 5 prime UTR variant (2), non-coding transcript variant (3), intron variant (2).
Genome position (GRCh38, 1-based): chr7:838,955, A>G. VCF-style: chr7-838955-A-G. GRCh37 (hg19) VCF-style: chr7-878592-A-G.
Other names: c.235A>G, p.Ser79Gly (NM_001171944.2, NM_001171946.2, NM_001367633.1 and 34 more transcripts); c.298A>G, p.Ser100Gly (NM_001171945.2); c.-223A>G (NM_001367635.1); c.85A>G, p.Ser29Gly (NM_001367636.1, NM_001367637.1, NM_001367644.1 and 24 more transcripts); c.454A>G, p.Ser152Gly (NM_001367651.1); c.-527A>G (NM_001367658.1); c.78-2991A>G (NM_001367695.1); c.-301-2991A>G (NM_001367639.1); short protein forms S79G, S100G, S29G, S152G.
Identifiers: ClinVar variation 461656 (VCV000461656.37), dbSNP rs199999269, ClinGen allele CA4111420.

ClinVar aggregate classification (germline): Likely benign. Review status: criteria provided, multiple submitters, no conflicts (2 of 4 stars). 2 submissions from 2 submitters: Likely benign (2). Last evaluated 2025-12-27.

Conditions:
Emery-Dreifuss muscular dystrophy (EDMD). Also called: Scapuloperoneal syndrome, X-linked (formerly); Humeroperoneal neuromuscular disease, (formerly). Identifiers: Orphanet 261, MedGen C0410189, MONDO:0016830.

Allele frequency attached by ClinVar (database versions not stated): 1000 Genomes Project 30x 0.00016; 1000 Genomes Project 0.00020; TOPMed 0.00062; gnomAD 0.00068; gnomAD exomes 0.00106 and 0.00129; ESP Exome Variant Server 0.00145; ExAC 0.00149.
gnomAD v4.1: 1,947 of 1,605,106 alleles (0.12%); highest among the groups gnomAD compares: South Asian, 0.19%; 8 homozygotes.

Submissions (2):

Labcorp Genetics (formerly Invitae), Labcorp
Classification: Likely benign for Emery-Dreifuss muscular dystrophy. Last evaluated: 2025-12-27. Review status: criteria provided, single submitter. Criteria: Invitae Variant Classification Sherloc (09022015). Collection method: clinical testing. Allele origin: germline.

CeGaT Center for Human Genetics Tuebingen
Classification: Likely benign. Last evaluated: 2023-03-01. Review status: criteria provided, single submitter. Criteria: CeGaT Center For Human Genetics Tuebingen Variant Classification Criteria Version 2. Collection method: clinical testing. Allele origin: germline. Affected: yes. Observed: 1 variant allele.
Comment: SUN1: BP4, BS2